The following is an entry in ClinVar:

NM_001371986.1(UNC80):c.4110+1G>C

Gene: UNC80 (unc-80 subunit of NALCN channel complex; plus strand). Cytogenetic location: 2q34.
Variant type: single nucleotide variant.
Coding change: c.4110+1G>C on transcript NM_001371986.1 (MANE Select); the canonical splice donor site of the intron after coding-DNA position 4110, G replaced by C.
Molecular consequence: splice donor variant.
Genome position (GRCh38, 1-based): chr2:209,881,095, G>C. VCF-style: chr2-209881095-G-C. GRCh37 (hg19) VCF-style: chr2-210745819-G-C.
Other names: c.4116+1G>C (NM_032504.2); c.4101+1G>C (NM_182587.4).
Identifiers: ClinVar variation 1521559 (VCV001521559.12), dbSNP rs371905161, ClinGen allele CA2083174.

ClinVar aggregate classification (germline): Pathogenic/Likely pathogenic. Review status: criteria provided, multiple submitters, no conflicts (2 of 4 stars). 2 submissions from 2 submitters: Pathogenic (1); Likely pathogenic (1). Last evaluated 2026-01-09.

Conditions:
Hypotonia, infantile, with psychomotor retardation and characteristic facies 2 (IHPRF2). Also called: UNC80 Deficiency. Identifiers: Orphanet 371364, Orphanet 700333, MedGen C4225203, MONDO:0014777, OMIM 616801.

Allele frequency attached by ClinVar (database versions not stated): ExAC 0.00005; ESP Exome Variant Server 0.00022; gnomAD exomes below 0.00001 and 0.00001; TOPMed below 0.00001.
gnomAD v4.1: 3 of 1,551,606 alleles (0.00019%); highest among the groups gnomAD compares: Non-Finnish European, 0.00017%; no homozygotes.

Submissions (2):

Labcorp Genetics (formerly Invitae), Labcorp
Classification: Likely pathogenic. Last evaluated: 2026-01-09. Review status: criteria provided, single submitter. Criteria: Invitae Variant Classification Sherloc (09022015). Collection method: clinical testing. Allele origin: germline.
Comment: This sequence change affects a donor splice site in intron 25 of the UNC80 gene. It is expected to disrupt RNA splicing. Variants that disrupt the donor or acceptor splice site typically lead to a loss of protein function (PMID: 16199547), and loss-of-function variants in UNC80 are known to be pathogenic (PMID: 26545877, 26708751, 26708753). This variant is not present in population databases (gnomAD no frequency). This variant has not been reported in the literature in individuals affected with UNC80-related conditions. ClinVar contains an entry for this variant (Variation ID: 1521559). Algorithms developed to predict the effect of sequence changes on RNA splicing suggest that this variant may disrupt the consensus splice site. In summary, the currently available evidence indicates that the variant is pathogenic, but additional data are needed to prove that conclusively. Therefore, this variant has been classified as Likely Pathogenic.

GeneDx
Classification: Pathogenic. Last evaluated: 2024-11-11. Review status: criteria provided, single submitter. Criteria: GeneDx Variant Classification Process June 2021. Collection method: clinical testing. Allele origin: germline. Affected: yes.
Comment: Canonical splice site variant predicted to result in a null allele in a gene for which loss of function is a known mechanism of disease; Not observed at significant frequency in large population cohorts (gnomAD); Has not been previously published as pathogenic or benign to our knowledge

Literature cited by the submitters: PubMed 16199547 (cited by Labcorp Genetics (formerly Invitae), Labcorp); PubMed 26545877 (cited by Labcorp Genetics (formerly Invitae), Labcorp); PubMed 26708751 (cited by Labcorp Genetics (formerly Invitae), Labcorp); PubMed 26708753 (cited by Labcorp Genetics (formerly Invitae), Labcorp).